The following is an entry in ClinVar:

NM_000237.3(LPL):c.932del (p.Asn311fs)

Gene: LPL (lipoprotein lipase; plus strand). Cytogenetic location: 8p21.3.
Variant type: Deletion.
Coding change: c.932del on transcript NM_000237.3 (MANE Select); coding-DNA position 932, one base deleted (A; older notation c.932delA).
Protein change: p.Asn311fs; shifts the reading frame from asparagine 311.
Molecular consequence: frameshift variant.
Genome position (GRCh38, 1-based): chr8:19,955,997, A deleted; the last of 2 consecutive A bases (chr8:19,955,996-19,955,997); deleting either gives the same sequence. VCF-style (leftmost placement, unchanged base first): chr8-19955995-CA-C. GRCh37 (hg19) VCF-style: chr8-19813506-CA-C.
Other names: short protein forms N311fs.
Identifiers: ClinVar variation 1418720 (VCV001418720.6), dbSNP rs2128838546, ClinGen allele CA2573142632.

ClinVar aggregate classification (germline): Pathogenic (1 of 4 stars; one submission).

Submission:

Labcorp Genetics (formerly Invitae), Labcorp
Classification: Pathogenic. Last evaluated: 2021-10-01. Review status: criteria provided, single submitter. Criteria: Invitae Variant Classification Sherloc (09022015). Collection method: clinical testing. Allele origin: germline.
Comment: This sequence change creates a premature translational stop signal (p.Asn311Thrfs*20) in the LPL gene. It is expected to result in an absent or disrupted protein product. Loss-of-function variants in LPL are known to be pathogenic (PMID: 11334614). This variant is not present in population databases (ExAC no frequency). For these reasons, this variant has been classified as Pathogenic. This variant has not been reported in the literature in individuals affected with LPL-related conditions.

Literature cited by the submitters: PubMed 11334614.